The following is an entry in ClinVar:

NM_000092.5(COL4A4):c.4858G>A (p.Gly1620Ser)

Gene: COL4A4 (collagen type IV alpha 4 chain; minus strand). Cytogenetic location: 2q36.3.
Variant type: single nucleotide variant.
Coding change: c.4858G>A on transcript NM_000092.5 (MANE Select); coding-DNA position 4858, G replaced by A.
Protein change: p.Gly1620Ser; replaces glycine 1620 with serine.
Molecular consequence: missense variant.
Genome position (GRCh38, 1-based): chr2:227,007,540, C>T on the plus strand (G>A on the coding strand, the complement: COL4A4 is on the minus strand). VCF-style: chr2-227007540-C-T. GRCh37 (hg19) VCF-style: chr2-227872256-C-T.
Other names: short protein forms G1620S.
Identifiers: ClinVar variation 635420 (VCV000635420.8), dbSNP rs1271416659, ClinGen allele CA351140316.
Genomic context (GRCh38, chr2:227,007,540, plus strand): 5'-TTCCCTGCCGGCCCTGGCATTCAAGGAATGGTGCTGCTCTGAAATCTTCCAGGCAGCTGC[C>T]AGGTGACATAAGGGCCTGCCCTCCTCCTTGGTCCCCAGCTCCTGTGTGCTACCCAGAAAA-3'
Protein context (NP_000083.3, residues 1610-1630): QGGGQALMSP[Gly1620Ser]SCLEDFRAAP

ClinVar aggregate classification (germline): Conflicting classifications of pathogenicity. Review status: criteria provided, conflicting classifications (1 of 4 stars). 6 submissions from 6 submitters: Likely pathogenic (2); Uncertain significance (3). 1 of the submissions does not count toward it. Last evaluated 2026-04-14.

Conditions:
Hematuria. Identifiers: MedGen C0018965, HP:0000790.
Autosomal dominant Alport syndrome (ATS3A). Also called: Alport syndrome dominant type; Renal failure and sensorineural hearing loss; ALPORT SYNDROME 3A, AUTOSOMAL DOMINANT. Identifiers: Orphanet 63, Orphanet 88918, MedGen C5882663, MONDO:0007086, OMIM 104200.
Autosomal recessive Alport syndrome (ATS2). Also called: COL4A4 Alport Syndrome and Thin Basement Membrane Nephropathy; Alport syndrome type 2; COL4A3-Related Nephropathy; ALPORT SYNDROME 2, AUTOSOMAL RECESSIVE. Identifiers: Orphanet 63, Orphanet 88919, MedGen C4746745, MONDO:0008762, OMIM 203780.

Allele frequency attached by ClinVar (database versions not stated): gnomAD exomes 0.00001.
gnomAD v4.1: 13 of 1,613,376 alleles (0.00081%); highest among the groups gnomAD compares: Middle Eastern, 0.037%; 1 homozygote.

Submissions (6):

Genetics Laboratory, Great Ormond Street Hospital NHS Foundation Trust, North Thames Genomic Laboratory Hub
Classification: Uncertain significance for Haematuria. Last evaluated: 2026-04-14. Review status: criteria provided, single submitter. Criteria: ACGS Best Practice Guidelines for Variant Classification in Rare Disease 2024 v1.2. Collection method: clinical testing. Allele origin: germline. Affected: yes.
Comment: PP3_supporting, PM1_moderate

Labcorp Genetics (formerly Invitae), Labcorp
Classification: Uncertain significance. Last evaluated: 2025-04-19. Review status: criteria provided, single submitter. Criteria: Invitae Variant Classification Sherloc (09022015). Collection method: clinical testing. Allele origin: germline.
Comment: This sequence change replaces glycine, which is neutral and non-polar, with serine, which is neutral and polar, at codon 1620 of the COL4A4 protein (p.Gly1620Ser). This variant is present in population databases (no rsID available, gnomAD 0.003%). This missense change has been observed in individual(s) with chronic kidney disease (PMID: 36938085). ClinVar contains an entry for this variant (Variation ID: 635420). Invitae Evidence Modeling of protein sequence and biophysical properties (such as structural, functional, and spatial information, amino acid conservation, physicochemical variation, residue mobility, and thermodynamic stability) indicates that this missense variant is not expected to disrupt COL4A4 protein function with a negative predictive value of 95%. In summary, the available evidence is currently insufficient to determine the role of this variant in disease. Therefore, it has been classified as a Variant of Uncertain Significance.

Genomic Medicine Center of Excellence, King Faisal Specialist Hospital and Research Centre
Classification: Likely pathogenic for Autosomal recessive Alport syndrome. Last evaluated: 2024-03-29. Review status: criteria provided, single submitter. Criteria: ACMG Guidelines, 2015. Collection method: clinical testing. Allele origin: germline.

Laboratory of Medical Genetics, National & Kapodistrian University of Athens
Classification: Likely pathogenic for Autosomal recessive Alport syndrome. Last evaluated: 2024-02-01. Review status: criteria provided, single submitter. Criteria: ACMG Guidelines, 2015. Collection method: curation. Allele origin: germline. Affected: no.

Blueprint Genetics
Classification: Uncertain significance. Last evaluated: 2017-06-27. Review status: criteria provided, single submitter. Criteria: ACMG Guidelines, 2015. Collection method: clinical testing. Allele origin: germline.

Bioscientia Institut fuer Medizinische Diagnostik GmbH, Sonic Healthcare
Classification: Likely pathogenic for Autosomal dominant Alport syndrome. Last evaluated: 2018-09-24. Review status: no assertion criteria provided. Collection method: clinical testing. Allele origin: germline. Affected: yes. Not counted in ClinVar's aggregate classification.

Literature cited by the submitters: PubMed 36938085 (cited by Labcorp Genetics (formerly Invitae), Labcorp).